The following is an entry in ClinVar:

ClinVar aggregate classification (germline): Uncertain significance (1 of 4 stars; one submission).

gnomAD v4.1: 1 of 1,614,124 alleles (0.000062%); highest among the groups gnomAD compares: Non-Finnish European, 0.000085%; no homozygotes.

Submission:

Ambry Genetics
Classification: Uncertain significance. Last evaluated: 2025-11-10. Review status: criteria provided, single submitter. Criteria: Ambry Variant Classification Scheme 2023. Collection method: clinical testing. Allele origin: germline.
Comment: The p.G558D variant (also known as c.1673G>A), located in coding exon 9 of the PKP4 gene, results from a G to A substitution at nucleotide position 1673. The glycine at codon 558 is replaced by aspartic acid, an amino acid with similar properties. This amino acid position is conserved. In addition, the in silico prediction for this alteration is inconclusive. Based on the available evidence, the clinical significance of this variant remains unclear.

NM_003628.6(PKP4):c.1673G>A (p.Gly558Asp)

Gene: PKP4 (plakophilin 4; plus strand). Cytogenetic location: 2q24.1.
Variant type: single nucleotide variant.
Coding change: c.1673G>A on transcript NM_003628.6 (MANE Select); coding-DNA position 1673, G replaced by A.
Protein change: p.Gly558Asp; replaces glycine 558 with aspartic acid.
Molecular consequence: missense variant.
Genome position (GRCh38, 1-based): chr2:158,640,737, G>A. VCF-style: chr2-158640737-G-A. GRCh37 (hg19) VCF-style: chr2-159497249-G-A.
Other names: c.644G>A, p.Gly215Asp (NM_001304970.3); c.1673G>A, p.Gly558Asp (NM_001304971.2, NM_001377218.1, NM_001005476.4 and 1 more transcripts); c.1670G>A, p.Gly557Asp (NM_001377219.1, NM_001377220.1, NM_001377221.1 and 2 more transcripts); c.1667G>A, p.Gly556Asp (NM_001377222.1, NM_001377223.1); c.1664G>A, p.Gly555Asp (NM_001377224.1); short protein forms G555D, G557D, G558D, G215D, G556D.
Identifiers: ClinVar variation 4568600 (VCV004568600.1).